The following is an entry in ClinVar:

ClinVar aggregate classification (germline): Uncertain significance (1 of 4 stars; one submission).

Conditions:
Autosomal dominant centronuclear myopathy. Also called: MYOTUBULAR MYOPATHY, AUTOSOMAL DOMINANT; Myopathy, centronuclear, 3. Identifiers: Orphanet 169189, MedGen C4551952, MeSH D020914, MONDO:0008048, OMIM 160150.

Allele frequency attached by ClinVar (database versions not stated): gnomAD exomes below 0.00001.

Submission:

Centre for Mendelian Genomics, University Medical Centre Ljubljana
Classification: Uncertain significance for Autosomal dominant centronuclear myopathy. Last evaluated: 2019-04-03. Review status: criteria provided, single submitter. Criteria: ACMG Guidelines, 2015. Collection method: clinical testing. Allele origin: unknown. Affected: yes.
Comment: This variant was classified as: Uncertain significance. The available evidence on this variant's pathogenicity is insufficient or conflicting. The following ACMG criteria were applied in classifying this variant: PM2,PP3.

NM_001005361.3(DNM2):c.2376_2378del (p.Leu793del)

Gene: DNM2 (dynamin 2; plus strand). Cytogenetic location: 19p13.2.
Variant type: Deletion.
Coding change: c.2376_2378del on transcript NM_001005361.3 (MANE Select); coding-DNA positions 2376 to 2378, 3 bases deleted (CCT; older notation c.2376_2378delCCT).
Protein change: p.Leu793del; deletes leucine 793.
Molecular consequence: inframe deletion.
Genome position (GRCh38, 1-based): chr19:10,830,211-10,830,213, CCT deleted. VCF-style (leftmost placement, unchanged base first): chr19-10830210-CCCT-C. GRCh37 (hg19) VCF-style: chr19-10940886-CCCT-C.
Other names: c.2376_2378del, p.Leu793del (NM_001005360.3, NM_001190716.2); c.2364_2366del, p.Leu789del (NM_001005362.3, NM_004945.4); short protein forms L793del, L789del.
Identifiers: ClinVar variation 930433 (VCV000930433.3), dbSNP rs2073289554, ClinGen allele CA1139666232.